The following is an entry in ClinVar:

NM_201548.5(CERKL):c.1133+13T>C

Gene: CERKL (CERK like autophagy regulator; minus strand). Cytogenetic location: 2q31.3.
Variant type: single nucleotide variant.
Coding change: c.1133+13T>C on transcript NM_201548.5 (MANE Select); 13 bases into the intron after coding-DNA position 1133, T replaced by C.
Molecular consequence: intron variant.
Genome position (GRCh38, 1-based): chr2:181,548,532, A>G on the plus strand (T>C on the coding strand, the complement: CERKL is on the minus strand). VCF-style: chr2-181548532-A-G. GRCh37 (hg19) VCF-style: chr2-182413259-A-G.
Other names: c.794+13T>C (NM_001030312.3); c.1079+13T>C (NM_001160277.2); c.926+13T>C (NM_001030313.3); c.1211+13T>C (NM_001030311.3).
Identifiers: ClinVar variation 257149 (VCV000257149.24), dbSNP rs12997453, ClinGen allele CA2010561.

ClinVar aggregate classification (germline): Benign. Review status: criteria provided, multiple submitters, no conflicts (2 of 4 stars). 9 submissions from 9 submitters: Benign (7). 2 of the submissions do not count toward it. Last evaluated 2026-02-04.

Conditions:
Retinitis pigmentosa (RP). Identifiers: Orphanet 791, MedGen C0035334, MeSH D012174, MONDO:0019200, OMIM 268000. Inheritance: Autosomal dominant, autosomal recessive and X linked inheritance.
Retinitis pigmentosa 26 (RP26). Identifiers: Orphanet 791, MedGen C1842127, MONDO:0012024, OMIM 608380.

Allele frequency attached by ClinVar (database versions not stated): gnomAD 0.58511 and 0.59488; gnomAD exomes 0.58853 and 0.61041; ESP Exome Variant Server 0.59313; TOPMed 0.59645; ExAC 0.62394; 1000 Genomes Project 30x 0.64366; 1000 Genomes Project 0.64836.
gnomAD v4.1: 924,211 of 1,568,092 alleles (59%); highest among the groups gnomAD compares: South Asian, 84%; 276,784 homozygotes.

Submissions (9):

Labcorp Genetics (formerly Invitae), Labcorp
Classification: Benign. Last evaluated: 2026-02-04. Review status: criteria provided, single submitter. Criteria: Invitae Variant Classification Sherloc (09022015). Collection method: clinical testing. Allele origin: germline.

Blueprint Genetics
Classification: Benign. Last evaluated: 2024-11-26. Review status: criteria provided, single submitter. Criteria: ACMG Guidelines, 2015. Collection method: clinical testing. Allele origin: germline.

Genome-Nilou Lab
Classification: Benign for Retinitis pigmentosa 26. Last evaluated: 2021-07-10. Review status: criteria provided, single submitter. Criteria: ACMG Guidelines, 2015. Collection method: clinical testing. Allele origin: germline. Affected: no.

Illumina Laboratory Services, Illumina
Classification: Benign for Retinitis pigmentosa. Last evaluated: 2018-01-13. Review status: criteria provided, single submitter. Criteria: ICSL Variant Classification Criteria 13 December 2019. Collection method: clinical testing. Allele origin: germline.
Comment: This variant was observed in the ICSL laboratory as part of a predisposition screen in an ostensibly healthy population. It had not been previously curated by ICSL or reported in the Human Gene Mutation Database (HGMD: prior to June 1st, 2018), and was therefore a candidate for classification through an automated scoring system. Utilizing variant allele frequency, disease prevalence and penetrance estimates, and inheritance mode, an automated score was calculated to assess if this variant is too frequent to cause the disease. Based on the score and internal cut-off values, a variant classified as benign is not then subjected to further curation. The score for this variant resulted in a classification of benign for this disease.

GeneDx
Classification: Benign. Last evaluated: 2015-03-03. Review status: criteria provided, single submitter. Criteria: GeneDx Variant Classification Process June 2021. Collection method: clinical testing. Allele origin: germline. Affected: yes.

Breakthrough Genomics
Classification: Benign. Review status: criteria provided, single submitter. Criteria: ACMG Guidelines, 2015. Collection method: not provided. Allele origin: germline. Inheritance: Autosomal recessive inheritance. Affected: yes.

PreventionGenetics, part of Exact Sciences
Classification: Benign. Review status: criteria provided, single submitter. Criteria: ACMG Guidelines, 2015. Collection method: clinical testing. Allele origin: germline.

Diagnostic Laboratory, Department of Genetics, University Medical Center Groningen
Classification: Benign. Review status: no assertion criteria provided. Collection method: clinical testing. Allele origin: germline. Affected: yes. Study: VKGL Data-share Consensus. Not counted in ClinVar's aggregate classification.

Joint Genome Diagnostic Labs from Nijmegen and Maastricht, Radboudumc and MUMC+
Classification: Benign. Review status: no assertion criteria provided. Collection method: clinical testing. Allele origin: germline. Affected: yes. Study: VKGL Data-share Consensus. Not counted in ClinVar's aggregate classification.